The following is an entry in ClinVar:

ClinVar aggregate classification (germline): Likely pathogenic (1 of 4 stars; one submission).

Conditions:
Galactosylceramide beta-galactosidase deficiency. Also called: Leukodystrophy, Globoid Cell; Krabbe Disease; GALACTOCEREBROSIDASE DEFICIENCY; GALC DEFICIENCY; GLOBOID CELL LEUKOENCEPHALOPATHY. Identifiers: Orphanet 487, MedGen C0023521, MONDO:0009499, OMIM 245200.

Submission:

Labcorp Genetics (formerly Invitae), Labcorp
Classification: Likely pathogenic for Galactosylceramide beta-galactosidase deficiency. Last evaluated: 2021-06-24. Review status: criteria provided, single submitter. Criteria: Invitae Variant Classification Sherloc (09022015). Collection method: clinical testing. Allele origin: germline.
Comment: This variant has not been reported in the literature in individuals with GALC-related conditions. In summary, the currently available evidence indicates that the variant is pathogenic, but additional data are needed to prove that conclusively. Therefore, this variant has been classified as Likely Pathogenic. Donor and acceptor splice site variants typically lead to a loss of protein function (PMID: 16199547), and loss-of-function variants in GALC are known to be pathogenic (PMID: 7437911, 9272171, 16607461). This variant is not present in population databases (ExAC no frequency). This sequence change affects an acceptor splice site in intron 4 of the GALC gene. It is expected to disrupt RNA splicing and likely results in an absent or disrupted protein product.

Literature cited by the submitters: PubMed 16199547; PubMed 7437911; PubMed 9272171; PubMed 16607461.

NM_000153.4(GALC):c.443-1G>C

Gene: GALC (galactosylceramidase; minus strand). Cytogenetic location: 14q31.3.
Variant type: single nucleotide variant.
Coding change: c.443-1G>C on transcript NM_000153.4 (MANE Select); the canonical splice acceptor site of the intron before coding-DNA position 443, G replaced by C.
Molecular consequence: splice acceptor variant.
Genome position (GRCh38, 1-based): chr14:87,984,534, C>G on the plus strand (G>C on the coding strand, the complement: GALC is on the minus strand). VCF-style: chr14-87984534-C-G. GRCh37 (hg19) VCF-style: chr14-88450878-C-G.
Other names: c.365-1G>C (NM_001201402.2); c.374-1G>C (NM_001201401.2).
Identifiers: ClinVar variation 863373 (VCV000863373.8), dbSNP rs1886890531, ClinGen allele CA390751977.
Genomic context (GRCh38, chr14:87,984,534, plus strand): 5'-GATTGACATAAGGCCAGTCGAAACCTTTTCCCAGCCATCCAGGGAATGACCATGGCAACC[C>G]TGCAGAGAGAAGGGAGGAGGCAAAGGTAGAGGAGGTATAACGGTGCTGGCGCTATTGAAA-3'